The following is an entry in ClinVar:

ClinVar aggregate classification (germline): Uncertain significance (1 of 4 stars; one submission).

Conditions:
Dilated cardiomyopathy 1G (CMD1G). Identifiers: Orphanet 154, MedGen C1858763, MONDO:0011400, OMIM 604145.

Submission:

MVZ Medizinische Genetik Mainz
Classification: Uncertain significance for Dilated cardiomyopathy 1G. Last evaluated: 2024-07-26. Review status: criteria provided, single submitter. Criteria: UK Practice Guidelines For Variant Classification V4 01 2020. Collection method: clinical testing. Allele origin: germline. Inheritance: Autosomal dominant inheritance. Affected: yes. Observed: 1 variant allele.
Comment: ACMG Criteria: PVS1_MOD,PM2_SUP

NM_001267550.2(TTN):c.96303_96310+4del

Genes: TTN (titin; minus strand), TTN-AS1 (TTN antisense RNA 1; plus strand), LOC126806421 (CDK7 strongly-dependent group 2 enhancer GRCh37_chr2:179407630-179408829; plus strand). Cytogenetic location: 2q31.2.
Variant type: Deletion.
Coding change: c.96303_96310+4del on transcript NM_001267550.2 (MANE Select); coding-DNA position 96303 through 4 bases into the intron after coding-DNA position 96310, 12 bases deleted (AGTCTATGGTAA).
Molecular consequence: splice donor variant.
Genome position (GRCh38, 1-based): chr2:178,543,830-178,543,841, TTACCATAGACT deleted on the plus strand (AGTCTATGGTAA on the coding strand, the reverse complement: TTN is on the minus strand); deleting any 12 consecutive bases within chr2:178,543,830-178,543,844 gives the same sequence; the c. name uses the placement nearest the transcript's 3' end. VCF-style (leftmost placement, unchanged base first): chr2-178543829-CTTACCATAGACT-C. GRCh37 (hg19) VCF-style: chr2-179408556-CTTACCATAGACT-C.
Other names: c.69108_69115+4del (NM_003319.4); c.69684_69691+4del (NM_133437.4); c.69483_69490+4del (NM_133432.3); c.88599_88606+4del (NM_133378.4); c.91380_91387+4del (NM_001256850.1).
Identifiers: ClinVar variation 3338387 (VCV003338387.1).
Genomic context (GRCh38, chr2:178,543,829, plus strand): 5'-AGGTCAAGCTATATTGTTTTAGAGGATCTACTCATTGTATAGCCAATTTTAAGTAAAATG[CTTACCATAGACT>C]TTAACAAGGACTGTTGCTGATTTCTTGCCAGATTGGTTTTCAGCTTCAATTGTGTATTTT-3'